The following is an entry in ClinVar:

NM_014003.4(DHX38):c.341G>A (p.Arg114Gln)

Gene: DHX38 (DEAH-box helicase 38; plus strand). Cytogenetic location: 16q22.2.
Variant type: single nucleotide variant.
Coding change: c.341G>A on transcript NM_014003.4 (MANE Select); coding-DNA position 341, G replaced by A.
Protein change: p.Arg114Gln; replaces arginine 114 with glutamine.
Molecular consequence: missense variant.
Genome position (GRCh38, 1-based): chr16:72,096,839, G>A. VCF-style: chr16-72096839-G-A. GRCh37 (hg19) VCF-style: chr16-72130738-G-A.
Other names: short protein forms R114Q.
Identifiers: ClinVar variation 969305 (VCV000969305.9), dbSNP rs375181581, ClinGen allele CA8159940.

ClinVar aggregate classification (germline): Uncertain significance. Review status: criteria provided, multiple submitters, no conflicts (2 of 4 stars). 3 submissions from 3 submitters: Uncertain significance (3). Last evaluated 2025-04-28.

Allele frequency attached by ClinVar (database versions not stated): gnomAD 0.00006; gnomAD exomes 0.00008 and 0.00009; TOPMed 0.00008; ExAC 0.00011; ESP Exome Variant Server 0.00015.

Submissions (4):

Ambry Genetics
Classification: Uncertain significance. Last evaluated: 2025-04-28. Review status: criteria provided, single submitter. Criteria: Ambry Variant Classification Scheme 2023. Collection method: clinical testing. Allele origin: germline.

Blueprint Genetics
Classification: Uncertain significance. Last evaluated: 2024-05-08. Review status: criteria provided, single submitter. Criteria: ACMG Guidelines, 2015. Collection method: clinical testing. Allele origin: germline.

Labcorp Genetics (formerly Invitae), Labcorp
Classification: Uncertain significance. Last evaluated: 2022-10-13. Review status: criteria provided, single submitter. Criteria: Invitae Variant Classification Sherloc (09022015). Collection method: clinical testing. Allele origin: germline.
Comment: This sequence change replaces arginine, which is basic and polar, with glutamine, which is neutral and polar, at codon 114 of the DHX38 protein (p.Arg114Gln). This variant is present in population databases (rs375181581, gnomAD 0.01%). This variant has not been reported in the literature in individuals affected with DHX38-related conditions. ClinVar contains an entry for this variant (Variation ID: 969305). Algorithms developed to predict the effect of missense changes on protein structure and function (SIFT, PolyPhen-2, Align-GVGD) all suggest that this variant is likely to be tolerated. In summary, the available evidence is currently insufficient to determine the role of this variant in disease. Therefore, it has been classified as a Variant of Uncertain Significance.

Dr. Peter K. Rogan Lab, Western University
No classification provided (evidence only). Condition: Lung cancer. Review status: no classification provided. Collection method: in vitro. Allele origin: not applicable. Functional consequence: retained intron. Not counted in ClinVar's aggregate classification.